The following continues an entry in ClinVar:

NM_000051.4(ATM):c.4724G>A (p.Arg1575His)

Gene: ATM. ClinVar aggregate classification (germline): Conflicting classifications of pathogenicity. Uncertain significance (16); Likely benign (2).

Submissions 9 to 21 of 21:

German Consortium for Hereditary Breast and Ovarian Cancer, University Hospital Cologne
Classification: Uncertain significance for Hereditary breast ovarian cancer syndrome. Last evaluated: 2024-09-09. Review status: criteria provided, single submitter. Criteria: ClinGen ATM V1.3.0. Collection method: curation. Allele origin: germline.
Comment: According to the ClinGen ACMG ATM v1.3.0 criteria we chose this criterion: BS3 (supporting benign): Barone 2009 (& Austen et al. (2008), PMID: 18573109): stable ATP kinase activity (s. Supp. Figure S1)

Mayo Clinic Laboratories, Mayo Clinic
Classification: Uncertain significance. Last evaluated: 2024-09-09. Review status: criteria provided, single submitter. Criteria: ACMG Guidelines, 2015. Collection method: clinical testing. Allele origin: germline. Observed: 2 variant alleles.
Comment: BS3

Myriad Genetics, Inc.
Classification: Likely benign for Familial cancer of breast. Last evaluated: 2024-05-20. Review status: criteria provided, single submitter. Criteria: Myriad Autosomal Dominant, Autosomal Recessive and X-Linked Classification Criteria (2023). Collection method: clinical testing. Allele origin: unknown.
Comment: This variant is considered likely benign. This variant is strongly associated with less severe personal and family histories of cancer, typical for individuals without pathogenic variants in this gene [PMID: 25085752].

GeneDx
Classification: Uncertain significance. Last evaluated: 2023-12-17. Review status: criteria provided, single submitter. Criteria: GeneDx Variant Classification Process June 2021. Collection method: clinical testing. Allele origin: germline. Affected: yes.
Comment: In silico analysis supports that this missense variant has a deleterious effect on protein structure/function; Not observed at significant frequency in large population cohorts (gnomAD); Observed in individuals with ATM-related and other cancers, but also in unaffected controls (PMID: 18573109, 19781682, 21933854, 23585524, 26580448, 28779002, 27978560, 29522266, 30287823, 34326862, 36200007); Published functional studies demonstrate no damaging effect: kinase activity similar to wild type (PMID: 18573109, 19431188); This variant is associated with the following publications: (PMID: 18573109, 26580448, 19781682, 23585524, 26787654, 21933854, 26689913, 27720647, 29522266, 19431188, 30287823, 27978560, 33922147, 36029002, 30613976, 28779002, 34326862, 36200007, 36243179)

Department of Pathology and Laboratory Medicine, Sinai Health System
Classification: Uncertain significance for Familial colorectal cancer type X. Last evaluated: 2023-05-02. Review status: criteria provided, single submitter. Criteria: ACMG Guidelines, 2015. Collection method: clinical testing. Allele origin: germline. Affected: yes.

Blueprint Genetics
Classification: Uncertain significance. Last evaluated: 2023-04-11. Review status: criteria provided, single submitter. Criteria: ACMG Guidelines, 2015. Collection method: clinical testing. Allele origin: germline.

Athena Diagnostics
Classification: Uncertain significance. Last evaluated: 2023-01-16. Review status: criteria provided, single submitter. Criteria: Athena Diagnostics Criteria. Collection method: clinical testing. Allele origin: unknown.
Comment: Available data are insufficient to determine the clinical significance of the variant at this time. The frequency of this variant in the general population is uninformative in assessment of its pathogenicity. Assessment of experimental evidence regarding the effect of this variant on protein function suggests it has no effect relevant to disease. (PMID: 19431188)

Division of Medical Genetics, University of Washington
Classification: Uncertain significance for Familial cancer of breast. Last evaluated: 2019-06-27. Review status: criteria provided, single submitter. Criteria: ACMG Guidelines, 2015. Collection method: clinical testing. Allele origin: germline. Affected: no. Study: CSER_CHARM.
Comment: The c.4724G>A variant has been reported in the literature to co-occur with the ATM c.6820G>A variant in individuals with breast cancer, chronic lymphocytic leukemia (CLL) and multiple myeloma (Austen 2008, Tavtigian 2008, and Navrkalova 2012). The individual with CLL also had a somatic ATM Gln984Glu and a somatic 11q chromosomal deletion. The c.4724G>A variant has a combined allele frequency of 0.00006 in the Broad Institute gnomAD Browser. In silico analyses indicate that this variant is in an evolutionarily conserved residue. Thus, it is unknown whether this variant increases cancer risk.

Illumina Laboratory Services, Illumina
Classification: Uncertain significance for Ataxia-telangiectasia syndrome. Last evaluated: 2017-04-27. Review status: criteria provided, single submitter. Criteria: ICSL Variant Classification Criteria 13 December 2019. Collection method: clinical testing. Allele origin: germline.
Comment: This variant was observed as part of a predisposition screen in an ostensibly healthy population. A literature search was performed for the gene, cDNA change, and amino acid change (where applicable). Publications were found based on this search. However, the evidence from the literature, in combination with allele frequency data from public databases where available, was not sufficient to rule this variant in or out of causing disease. Therefore, this variant is classified as a variant of unknown significance.

Eurofins Ntd Llc (ga)
Classification: Uncertain significance. Last evaluated: 2017-02-17. Review status: criteria provided, single submitter. Criteria: EGL Classification Definitions 2015. Collection method: clinical testing. Allele origin: germline. Observed: 1 variant allele, 1 heterozygote.

Natera, Inc.
Classification: Uncertain significance for Ataxia-telangiectasia. Last evaluated: 2020-09-16. Review status: no assertion criteria provided. Collection method: clinical testing. Allele origin: germline. Not counted in ClinVar's aggregate classification.

Genome Diagnostics Laboratory, University Medical Center Utrecht
Classification: Uncertain significance. Review status: no assertion criteria provided. Collection method: clinical testing. Allele origin: germline. Affected: yes. Study: VKGL Data-share Consensus. Not counted in ClinVar's aggregate classification.

Joint Genome Diagnostic Labs from Nijmegen and Maastricht, Radboudumc and MUMC+
Classification: Uncertain significance. Review status: no assertion criteria provided. Collection method: clinical testing. Allele origin: germline. Affected: yes. Study: VKGL Data-share Consensus. Not counted in ClinVar's aggregate classification.

Literature cited by the submitters: PubMed 18573109 (cited by 8 submitters); PubMed 19781682 (cited by 6 submitters); PubMed 21933854 (cited by 4 submitters); PubMed 23585524 (cited by 7 submitters); PubMed 26580448 (cited by 3 submitters); PubMed 28779002 (cited by 3 submitters); PubMed 27978560 (cited by 5 submitters); PubMed 29522266 (cited by 4 submitters); PubMed 30287823 (cited by 6 submitters); PubMed 34326862 (cited by Dasa and Women's Health and Genetics/Laboratory Corporation of America, LabCorp); PubMed 36200007 (cited by 3 submitters); PubMed 19431188 (cited by 7 submitters); PubMed 40580951 (cited by Dasa); PubMed 34262154 (cited by Color Diagnostics, LLC DBA Color Health and Women's Health and Genetics/Laboratory Corporation of America, LabCorp); PubMed 30613976 (cited by 3 submitters); PubMed 26689913 (cited by Women's Health and Genetics/Laboratory Corporation of America, LabCorp); PubMed 26787654 (cited by Women's Health and Genetics/Laboratory Corporation of America, LabCorp); PubMed 25085752 (cited by Myriad Genetics, Inc.); PubMed 33471991 (cited by Department of Pathology and Laboratory Medicine, Sinai Health System).